The following is an entry in ClinVar:

ClinVar aggregate classification (germline): Benign. Review status: criteria provided, multiple submitters, no conflicts (2 of 4 stars). 13 submissions from 12 submitters: Benign (12). 1 of the submissions does not count toward it. Last evaluated 2026-05-04.

Conditions:
Endometrial carcinoma. Also called: Endometrial carcinoma, somatic. Identifiers: MedGen C0476089, MONDO:0002447, OMIM 608089, HP:0012114.
Colorectal cancer, hereditary nonpolyposis, type 7. Identifiers: Orphanet 144, MedGen C1858380, MONDO:0013725, OMIM 614385.

Allele frequency attached by ClinVar (database versions not stated): ESP Exome Variant Server 0.02114; 1000 Genomes Project 30x 0.02264; gnomAD exomes 0.00488; 1000 Genomes Project 0.02137; ExAC 0.00609; gnomAD 0.01917 and 0.02060; TOPMed 0.02182.
gnomAD v4.1: 5,663 of 1,614,070 alleles (0.35%); highest among the groups gnomAD compares: African/African-American, 6.6%; 174 homozygotes.

Submissions (13):

Myriad Genetics, Inc.
Classification: Benign for Colorectal cancer, hereditary nonpolyposis, type 7. Last evaluated: 2026-05-04. Review status: criteria provided, single submitter. Criteria: Myriad Autosomal Dominant, Autosomal Recessive and X-Linked Classification Criteria (2023). Collection method: clinical testing. Allele origin: unknown.
Comment: This variant is considered benign. This variant has been observed at a population frequency that is significantly greater than expected given the associated disease prevalence and penetrance.

Labcorp Genetics (formerly Invitae), Labcorp
Classification: Benign for Colorectal cancer, hereditary nonpolyposis, type 7. Last evaluated: 2026-02-02. Review status: criteria provided, single submitter. Criteria: Invitae Variant Classification Sherloc (09022015). Collection method: clinical testing. Allele origin: germline.

Dasa
Classification: Benign. Last evaluated: 2025-11-21. Review status: criteria provided, single submitter. Criteria: DASA Assertion Criteria. Collection method: clinical testing. Allele origin: germline.
Comment: NM_001040108.2(MLH3):c.2390G>A (p.Arg797His) is a missense variant that results in the substitution of arginine with histidine. Population frequency is inconsistent with a disease-causing role for this variant, and observations in unaffected individuals support a benign interpretation. Computational prediction algorithms are consistent with a benign effect. Therefore, based on the currently available evidence, this variant is classified as benign.

Center for Genomic Medicine, Rigshospitalet, Copenhagen University Hospital
Classification: Benign. Last evaluated: 2025-03-04. Review status: criteria provided, single submitter. Criteria: ACMG Guidelines, 2015. Collection method: clinical testing. Allele origin: germline.

KCCC/NGS Laboratory, Kuwait Cancer Control Center
Classification: Benign for Endometrial carcinoma. Last evaluated: 2025-02-01. Review status: criteria provided, single submitter. Criteria: ACMG Guidelines, 2015. Collection method: clinical testing. Allele origin: germline. Affected: no.

KCCC/NGS Laboratory, Kuwait Cancer Control Center
Classification: Benign for Colorectal cancer, hereditary nonpolyposis, type 7. Last evaluated: 2023-07-07. Review status: criteria provided, single submitter. Criteria: ACMG Guidelines, 2015. Collection method: clinical testing. Allele origin: germline. Affected: yes.

ARUP Laboratories, Molecular Genetics and Genomics, ARUP Laboratories
Classification: Benign. Last evaluated: 2022-10-20. Review status: criteria provided, single submitter. Criteria: ARUP Molecular Germline Variant Investigation Process 2021. Collection method: clinical testing. Allele origin: germline.

Department of Pathology and Laboratory Medicine, Sinai Health System
Classification: Benign for Endometrial carcinoma. Last evaluated: 2021-08-17. Review status: criteria provided, single submitter. Criteria: ACMG Guidelines, 2015. Collection method: clinical testing. Allele origin: germline. Affected: yes.

Ambry Genetics
Classification: Benign. Last evaluated: 2020-07-30. Review status: criteria provided, single submitter. Criteria: Ambry Variant Classification Scheme 2023. Collection method: clinical testing. Allele origin: germline.

GeneDx
Classification: Benign. Last evaluated: 2018-06-22. Review status: criteria provided, single submitter. Criteria: GeneDx Variant Classification Process June 2021. Collection method: clinical testing. Allele origin: germline. Affected: yes.

Illumina Laboratory Services, Illumina
Classification: Benign for Colorectal cancer, hereditary nonpolyposis, type 7. Last evaluated: 2018-01-13. Review status: criteria provided, single submitter. Criteria: ICSL Variant Classification Criteria 13 December 2019. Collection method: clinical testing. Allele origin: germline.
Comment: This variant was observed in the ICSL laboratory as part of a predisposition screen in an ostensibly healthy population. It had not been previously curated by ICSL or reported in the Human Gene Mutation Database (HGMD: prior to June 1st, 2018), and was therefore a candidate for classification through an automated scoring system. Utilizing variant allele frequency, disease prevalence and penetrance estimates, and inheritance mode, an automated score was calculated to assess if this variant is too frequent to cause the disease. Based on the score and internal cut-off values, a variant classified as benign is not then subjected to further curation. The score for this variant resulted in a classification of benign for this disease.

Breakthrough Genomics
Classification: Benign. Review status: criteria provided, single submitter. Criteria: ACMG Guidelines, 2015. Collection method: not provided. Allele origin: germline. Inheritance: Autosomal dominant inheritance. Affected: yes.

Mayo Clinic Laboratories, Mayo Clinic
Classification: Benign. Review status: no assertion criteria provided. Collection method: clinical testing. Allele origin: unknown. Not counted in ClinVar's aggregate classification.

NM_001040108.2(MLH3):c.2390G>A (p.Arg797His)

Gene: MLH3 (mutL homolog 3; minus strand). Cytogenetic location: 14q24.3.
Variant type: single nucleotide variant.
Coding change: c.2390G>A on transcript NM_001040108.2 (MANE Select); coding-DNA position 2390, G replaced by A.
Protein change: p.Arg797His; replaces arginine 797 with histidine.
Molecular consequence: missense variant.
Genome position (GRCh38, 1-based): chr14:75,047,266, C>T on the plus strand (G>A on the coding strand, the complement: MLH3 is on the minus strand). VCF-style: chr14-75047266-C-T. GRCh37 (hg19) VCF-style: chr14-75513969-C-T.
Other names: c.2390G>A, p.Arg797His (NM_014381.3); short protein forms R797H.
Identifiers: ClinVar variation 314383 (VCV000314383.38), dbSNP rs28756991, ClinGen allele CA7275711.